The following is an entry in ClinVar:

NM_007294.4(BRCA1):c.5333_5406del (p.Asp1778fs)

Gene: BRCA1 (BRCA1 DNA repair associated; minus strand). Cytogenetic location: 17q21.31.
Variant type: Deletion.
Coding change: c.5333_5406del on transcript NM_007294.4 (MANE Select); coding-DNA positions 5333 to 5406, 74 bases deleted.
Protein change: p.Asp1778fs; shifts the reading frame from aspartic acid 1778.
Molecular consequence: frameshift variant. On other transcripts: non-coding transcript variant (1), intron variant (1).
Genome position (GRCh38, 1-based): chr17:43,049,121-43,049,194, 74 bases deleted. GRCh37 (hg19): chr17:41,201,138-41,201,211.
Other names: c.5120_5193del74, p.Asp1707Glyfs (NM_001407571.1, NM_001407894.1, NM_001407895.1 and 12 more transcripts); c.5399_5472del74, p.Asp1800Glyfs (NM_001407581.1, NM_001407582.1); c.5396_5469del74, p.Asp1799Glyfs (NM_001407583.1, NM_001407585.1, NM_001407587.1); c.5393_5466del74, p.Asp1798Glyfs (NM_001407590.1, NM_001407591.1); c.5333_5406del74, p.Asp1778Glyfs (NM_001407593.1, NM_001407594.1, NM_001407596.1 and 6 more transcripts); c.5330_5403del74, p.Asp1777Glyfs (NM_001407610.1, NM_001407611.1, NM_001407612.1 and 14 more transcripts); c.5327_5400del74, p.Asp1776Glyfs (NM_001407627.1, NM_001407628.1, NM_001407629.1 and 13 more transcripts); c.5324_5397del74, p.Asp1775Glyfs (NM_001407644.1, NM_001407645.1); and 75 more; short protein forms D1731fs, D1778fs, D1799fs, D674fs.
Identifiers: ClinVar variation 993167 (VCV000993167.2), dbSNP rs2051071982, ClinGen allele CA1139665551.

ClinVar aggregate classification (germline): Pathogenic (1 of 4 stars; one submission).

Submission:

Quest Diagnostics Nichols Institute San Juan Capistrano
Classification: Pathogenic. Last evaluated: 2020-03-06. Review status: criteria provided, single submitter. Criteria: Quest Diagnostics criteria. Collection method: clinical testing. Allele origin: unknown.
Comment: The variant results in a shift of the reading frame, and is therefore predicted to result in the loss of a functional protein. Found in at least one patient with expected phenotype for this gene, and not found in general population data.

Literature cited by the submitters: PubMed 9354803; PubMed 19894111; PubMed 11462239; PubMed 9145678; PubMed 21324516.